The following is an entry in ClinVar:

ClinVar aggregate classification (germline): Uncertain significance (1 of 4 stars; one submission).

Conditions:
Early Myoclonic Encephalopathy. Identifiers: MedGen C0270855.

gnomAD v4.1: 1 of 1,613,826 alleles (0.000062%); highest among the groups gnomAD compares: Non-Finnish European, 0.000085%; no homozygotes.

Submission:

Labcorp Genetics (formerly Invitae), Labcorp
Classification: Uncertain significance for Early Myoclonic Encephalopathy. Last evaluated: 2024-02-22. Review status: criteria provided, single submitter. Criteria: Invitae Variant Classification Sherloc (09022015). Collection method: clinical testing. Allele origin: germline.
Comment: This sequence change replaces proline, which is neutral and non-polar, with serine, which is neutral and polar, at codon 95 of the JMJD1C protein (p.Pro95Ser). This variant is not present in population databases (gnomAD no frequency). This variant has not been reported in the literature in individuals affected with JMJD1C-related conditions. An algorithm developed to predict the effect of missense changes on protein structure and function (PolyPhen-2) suggests that this variant is likely to be disruptive. In summary, the available evidence is currently insufficient to determine the role of this variant in disease. Therefore, it has been classified as a Variant of Uncertain Significance.

NM_032776.3(JMJD1C):c.283C>T (p.Pro95Ser)

Gene: JMJD1C (jumonji domain containing 1C; minus strand). Cytogenetic location: 10q21.3.
Variant type: single nucleotide variant.
Coding change: c.283C>T on transcript NM_032776.3 (MANE Select); coding-DNA position 283, C replaced by T.
Protein change: p.Pro95Ser; replaces proline 95 with serine.
Molecular consequence: missense variant. On other transcripts: 5 prime UTR variant (2).
Genome position (GRCh38, 1-based): chr10:63,380,368, G>A on the plus strand (C>T on the coding strand, the complement: JMJD1C is on the minus strand). VCF-style: chr10-63380368-G-A. GRCh37 (hg19) VCF-style: chr10-65140128-G-A.
Other names: c.-264C>T (NM_001318154.2); c.283C>T, p.Pro95Ser (NM_001322252.2); c.-269C>T (NM_001322258.2); short protein forms P95S.
Identifiers: ClinVar variation 3642395 (VCV003642395.2).
Genomic context (GRCh38, chr10:63,380,368, plus strand): 5'-TAGATCTTACCAATGCAGGCCACTGAATCTGTTTGCTCTTTGATCCCTGAGTCTGGCTAG[G>A]GTCATTCCTTTTGGCCCAGATTAAGTGGTATTCCACCAAGAAAGTTGAAAAATCTTCATA-3'
Protein context (NP_116165.1, residues 85-105): YHLIWAKRND[Pro95Ser]SQTQGSKSKQ